The following is an entry in ClinVar:

ClinVar aggregate classification (germline): Likely benign (1 of 4 stars; one submission).

Submission:

CeGaT Center for Human Genetics Tuebingen
Classification: Likely benign. Last evaluated: 2026-05-01. Review status: criteria provided, single submitter. Criteria: CeGaT Center For Human Genetics Tuebingen Variant Classification Criteria Version 2. Collection method: clinical testing. Allele origin: germline. Affected: yes. Observed: 1 variant allele.
Comment: HNF1A: PM2:Supporting, BP4, BP7

NM_000545.8(HNF1A):c.132G>T (p.Leu44=)

Gene: HNF1A (HNF1 homeobox A; plus strand). Cytogenetic location: 12q24.31.
Variant type: single nucleotide variant.
Coding change: c.132G>T on transcript NM_000545.8 (MANE Select); coding-DNA position 132, G replaced by T.
Protein change: p.Leu44=; no amino-acid change (leucine 44 retained).
Molecular consequence: synonymous variant.
Genome position (GRCh38, 1-based): chr12:120,978,900, G>T. VCF-style: chr12-120978900-G-T. GRCh37 (hg19) VCF-style: chr12-121416703-G-T.
Other names: c.132G>T, p.Leu44= (NM_001306179.2, NM_001406915.1).
Identifiers: ClinVar variation 4873037 (VCV004873037.2).
Genomic context (GRCh38, chr12:120,978,900, plus strand): 5'-GGCACTGATCCAGGCACTGGGTGAGCCGGGGCCCTACCTCCTGGCTGGAGAAGGCCCCCT[G>T]GACAAGGGGGAGTCCTGCGGCGGCGGTCGAGGGGAGCTGGCTGAGCTGCCCAATGGGCTG-3'
Protein context (NP_000536.6, residues 34-54): GPYLLAGEGP[Leu44=]DKGESCGGGR